The following is an entry in ClinVar:

ClinVar aggregate classification (germline): Uncertain significance. Review status: criteria provided, multiple submitters, no conflicts (2 of 4 stars). 4 submissions from 4 submitters: Uncertain significance (4). Last evaluated 2025-06-30.

Conditions:
Familial adenomatous polyposis 1 (FAP1). Also called: FAMILIAL ADENOMATOUS POLYPOSIS 1, ATTENUATED; POLYPOSIS, ADENOMATOUS INTESTINAL. Identifiers: MedGen C2713442, MONDO:0021056, OMIM 175100. Disease mechanism: loss of function.
Hereditary cancer-predisposing syndrome. Also called: Neoplastic Syndromes, Hereditary; Tumor predisposition; Hereditary Cancer Syndrome; Hereditary neoplastic syndrome. Identifiers: Orphanet 140162, MedGen C0027672, MeSH D009386, MONDO:0015356.

Allele frequency attached by ClinVar (database versions not stated): gnomAD exomes below 0.00001; TOPMed 0.00001.
gnomAD v4.1: 1 of 1,614,008 alleles (0.000062%); highest among the groups gnomAD compares: Non-Finnish European, 0.000085%; no homozygotes.

Submissions (4):

Labcorp Genetics (formerly Invitae), Labcorp
Classification: Uncertain significance for Familial adenomatous polyposis 1. Last evaluated: 2025-06-30. Review status: criteria provided, single submitter. Criteria: Invitae Variant Classification Sherloc (09022015). Collection method: clinical testing. Allele origin: germline.
Comment: This sequence change replaces proline, which is neutral and non-polar, with serine, which is neutral and polar, at codon 1514 of the APC protein (p.Pro1514Ser). This variant is not present in population databases (gnomAD no frequency). This variant has not been reported in the literature in individuals affected with APC-related conditions. ClinVar contains an entry for this variant (Variation ID: 485110). Invitae Evidence Modeling of protein sequence and biophysical properties (such as structural, functional, and spatial information, amino acid conservation, physicochemical variation, residue mobility, and thermodynamic stability) indicates that this missense variant is not expected to disrupt APC protein function with a negative predictive value of 95%. In summary, the available evidence is currently insufficient to determine the role of this variant in disease. Therefore, it has been classified as a Variant of Uncertain Significance.

Color Diagnostics, LLC DBA Color Health
Classification: Uncertain significance for Hereditary cancer-predisposing syndrome. Last evaluated: 2025-06-17. Review status: criteria provided, single submitter. Criteria: ACMG Guidelines, 2015. Collection method: clinical testing. Allele origin: germline.
Comment: This missense variant replaces proline with serine at codon 1514 of the APC protein. Computational prediction suggests that this variant may not impact protein structure and function. To our knowledge, functional studies have not been reported for this variant. This variant has not been reported in individuals affected with APC-related disorders in the literature. This variant has not been identified in the general population by the Genome Aggregation Database (gnomAD). The available evidence is insufficient to determine the role of this variant in disease conclusively. Therefore, this variant is classified as a Variant of Uncertain Significance.

Ambry Genetics
Classification: Uncertain significance for Hereditary cancer-predisposing syndrome. Last evaluated: 2024-12-20. Review status: criteria provided, single submitter. Criteria: Ambry Variant Classification Scheme 2023. Collection method: clinical testing. Allele origin: germline.
Comment: The p.P1514S variant (also known as c.4540C>T), located in coding exon 15 of the APC gene, results from a C to T substitution at nucleotide position 4540. The proline at codon 1514 is replaced by serine, an amino acid with similar properties. This amino acid position is highly conserved in available vertebrate species. In addition, in silico predictors for this gene do not accurately predict pathogenicity. Missense alterations in APC are not a common cause of disease (Spier I et al. Genet Med. 2024 Feb;26(2):100992). Based on the available evidence, the clinical significance of this variant remains unclear.

Laboratory for Molecular Medicine, Mass General Brigham Personalized Medicine
Classification: Uncertain significance. Last evaluated: 2016-11-25. Review status: criteria provided, single submitter. Criteria: LMM Criteria. Collection method: clinical testing. Allele origin: germline. Observed: 1 variant allele.
Comment: The p.Pro1514Ser variant in APC has not been previously reported in individuals with hereditary cancer or in large population studies. Computational prediction tools and conservation analysis do not provide strong support for or against an impact to the protein. In summary, the clinical significance of the p.Pro1514Ser variant is uncertain.

NM_000038.6(APC):c.4540C>T (p.Pro1514Ser)

Gene: APC (APC regulator of Wnt signaling pathway; plus strand). Cytogenetic location: 5q22.2.
Variant type: single nucleotide variant.
Coding change: c.4540C>T on transcript NM_000038.6 (MANE Select); coding-DNA position 4540, C replaced by T.
Protein change: p.Pro1514Ser; replaces proline 1514 with serine.
Molecular consequence: missense variant.
Genome position (GRCh38, 1-based): chr5:112,840,134, C>T. VCF-style: chr5-112840134-C-T. GRCh37 (hg19) VCF-style: chr5-112175831-C-T.
Other names: c.4540C>T, p.Pro1514Ser (NM_001127510.3, NM_001354895.2); c.4486C>T, p.Pro1496Ser (NM_001127511.3); c.4594C>T, p.Pro1532Ser (NM_001354896.2); c.4570C>T, p.Pro1524Ser (NM_001354897.2); c.4465C>T, p.Pro1489Ser (NM_001354898.2); c.4456C>T, p.Pro1486Ser (NM_001354899.2); c.4417C>T, p.Pro1473Ser (NM_001354900.2); c.4363C>T, p.Pro1455Ser (NM_001354901.2); and 6 more; short protein forms P1514S, P1496S, P1455S, P1354S, P1413S, P1423S, P1532S, P1231S.
Identifiers: ClinVar variation 485110 (VCV000485110.23), dbSNP rs1060503266, ClinGen allele CA16031266.
Genomic context (GRCh38, chr5:112,840,134, plus strand): 5'-GAAAGTACTCCAGATGGATTTTCTTGTTCATCCAGCCTGAGTGCTCTGAGCCTCGATGAG[C>T]CATTTATACAGAAAGATGTGGAATTAAGAATAATGCCTCCAGTTCAGGAAAATGACAATG-3'
Protein context (NP_000029.2, residues 1504-1524): SSLSALSLDE[Pro1514Ser]FIQKDVELRI